The following is an entry in ClinVar:

NM_004260.4(RECQL4):c.2775C>G (p.Cys925Trp)

Gene: RECQL4 (RecQ like helicase 4; minus strand). Cytogenetic location: 8q24.3.
Variant type: single nucleotide variant.
Coding change: c.2775C>G on transcript NM_004260.4 (MANE Select); coding-DNA position 2775, C replaced by G.
Protein change: p.Cys925Trp; replaces cysteine 925 with tryptophan.
Molecular consequence: missense variant.
Genome position (GRCh38, 1-based): chr8:144,512,752, G>C on the plus strand (C>G on the coding strand, the complement: RECQL4 is on the minus strand). VCF-style: chr8-144512752-G-C. GRCh37 (hg19) VCF-style: chr8-145738135-G-C.
Other names: short protein forms C925W.
Identifiers: ClinVar variation 1036140 (VCV001036140.4), dbSNP rs376838923, ClinGen allele CA4948077.

ClinVar aggregate classification (germline): Uncertain significance. Review status: criteria provided, multiple submitters, no conflicts (2 of 4 stars). 2 submissions from 2 submitters: Uncertain significance (2). Last evaluated 2023-05-05.

Conditions:
Baller-Gerold syndrome (BGS). Also called: CRANIOSYNOSTOSIS WITH RADIAL DEFECTS. Identifiers: Orphanet 1225, MedGen C0265308, MONDO:0009039, OMIM 218600.

gnomAD v4.1: 6 of 1,612,022 alleles (0.00037%); highest among the groups gnomAD compares: Middle Eastern, 0.016%; no homozygotes.

Submissions (2):

Labcorp Genetics (formerly Invitae), Labcorp
Classification: Uncertain significance for Baller-Gerold syndrome. Last evaluated: 2023-05-05. Review status: criteria provided, single submitter. Criteria: Invitae Variant Classification Sherloc (09022015). Collection method: clinical testing. Allele origin: germline.
Comment: In summary, the available evidence is currently insufficient to determine the role of this variant in disease. Therefore, it has been classified as a Variant of Uncertain Significance. Advanced modeling of protein sequence and biophysical properties (such as structural, functional, and spatial information, amino acid conservation, physicochemical variation, residue mobility, and thermodynamic stability) performed at Invitae indicates that this missense variant is expected to disrupt RECQL4 protein function. ClinVar contains an entry for this variant (Variation ID: 1036140). This variant has not been reported in the literature in individuals affected with RECQL4-related conditions. This variant is present in population databases (rs376838923, gnomAD 0.0009%). This sequence change replaces cysteine, which is neutral and slightly polar, with tryptophan, which is neutral and slightly polar, at codon 925 of the RECQL4 protein (p.Cys925Trp).

Breakthrough Genomics
Classification: Uncertain significance. Review status: criteria provided, single submitter. Criteria: ACMG Guidelines, 2015. Collection method: not provided. Allele origin: germline. Inheritance: Autosomal recessive inheritance. Affected: yes.